The following is an entry in ClinVar:

ClinVar aggregate classification (germline): Uncertain significance (1 of 4 stars; one submission).

Submission:

Labcorp Genetics (formerly Invitae), Labcorp
Classification: Uncertain significance. Last evaluated: 2022-06-03. Review status: criteria provided, single submitter. Criteria: Invitae Variant Classification Sherloc (09022015). Collection method: clinical testing. Allele origin: germline.
Comment: In summary, the available evidence is currently insufficient to determine the role of this variant in disease. Therefore, it has been classified as a Variant of Uncertain Significance. Algorithms developed to predict the effect of sequence changes on RNA splicing suggest that this variant may create or strengthen a splice site. This variant has not been reported in the literature in individuals affected with ANLN-related conditions. This variant is not present in population databases (gnomAD no frequency). This sequence change falls in intron 13 of the ANLN gene. It does not directly change the encoded amino acid sequence of the ANLN protein.

NM_018685.5(ANLN):c.2300-10T>G

Gene: ANLN (anillin, actin binding protein; plus strand). Cytogenetic location: 7p14.2.
Variant type: single nucleotide variant.
Coding change: c.2300-10T>G on transcript NM_018685.5 (MANE Select); 10 bases into the intron before coding-DNA position 2300, T replaced by G.
Molecular consequence: intron variant.
Genome position (GRCh38, 1-based): chr7:36,422,623, T>G. VCF-style: chr7-36422623-T-G. GRCh37 (hg19) VCF-style: chr7-36462232-T-G.
Other names: c.2189-10T>G (NM_001284301.3); c.2186-10T>G (NM_001284302.3).
Identifiers: ClinVar variation 2093113 (VCV002093113.4), dbSNP rs1241560114, ClinGen allele CA2580077090.